The following is an entry in ClinVar:

ClinVar aggregate classification (germline): Uncertain significance. Review status: criteria provided, multiple submitters, no conflicts (2 of 4 stars). 3 submissions from 3 submitters: Uncertain significance (3). Last evaluated 2024-05-22.

Conditions:
Inborn genetic diseases. Identifiers: MedGen C0950123, MeSH D030342.
Combined oxidative phosphorylation deficiency. Identifiers: MedGen C4540031, MONDO:0000732.
Charcot-Marie-Tooth Neuropathy X. Identifiers: MedGen CN118851.

Allele frequency attached by ClinVar (database versions not stated): gnomAD exomes below 0.00001.
gnomAD v4.1: 5 of 1,210,787 alleles (0.00041%); highest among the groups gnomAD compares: African/African-American, 0.0017%; no homozygotes.

Submissions (3):

Labcorp Genetics (formerly Invitae), Labcorp
Classification: Uncertain significance for Charcot-Marie-Tooth Neuropathy X; Combined oxidative phosphorylation deficiency. Last evaluated: 2024-05-22. Review status: criteria provided, single submitter. Criteria: Invitae Variant Classification Sherloc (09022015). Collection method: clinical testing. Allele origin: germline.
Comment: This sequence change replaces valine, which is neutral and non-polar, with isoleucine, which is neutral and non-polar, at codon 372 of the AIFM1 protein (p.Val372Ile). This variant is not present in population databases (gnomAD no frequency). This variant has not been reported in the literature in individuals affected with AIFM1-related conditions. ClinVar contains an entry for this variant (Variation ID: 543931). Advanced modeling of protein sequence and biophysical properties (such as structural, functional, and spatial information, amino acid conservation, physicochemical variation, residue mobility, and thermodynamic stability) has been performed at Invitae for this missense variant, however the output from this modeling did not meet the statistical confidence thresholds required to predict the impact of this variant on AIFM1 protein function. In summary, the available evidence is currently insufficient to determine the role of this variant in disease. Therefore, it has been classified as a Variant of Uncertain Significance.

Revvity Omics, Revvity
Classification: Uncertain significance. Last evaluated: 2021-03-02. Review status: criteria provided, single submitter. Criteria: ACMG Guidelines, 2015. Collection method: clinical testing. Allele origin: germline.

Ambry Genetics
Classification: Uncertain significance for Inborn genetic diseases. Last evaluated: 2019-09-20. Review status: criteria provided, single submitter. Criteria: Ambry Variant Classification Scheme 2023. Collection method: clinical testing. Allele origin: germline.
Comment: The p.V372I variant (also known as c.1114G>A), located in coding exon 11 of the AIFM1 gene, results from a G to A substitution at nucleotide position 1114. The valine at codon 372 is replaced by isoleucine, an amino acid with highly similar properties. This amino acid position is highly conserved in available vertebrate species. In addition, this alteration is predicted to be tolerated by in silico analysis. Since supporting evidence is limited at this time, the clinical significance of this alteration remains unclear.

NM_004208.4(AIFM1):c.1114G>A (p.Val372Ile)

Genes: AIFM1 (apoptosis inducing factor mitochondria associated 1; minus strand), RAB33A (RAB33A, member RAS oncogene family; plus strand). Cytogenetic location: Xq26.1.
Variant type: single nucleotide variant.
Coding change: c.1114G>A on transcript NM_004208.4 (MANE Select); coding-DNA position 1114, G replaced by A.
Protein change: p.Val372Ile; replaces valine 372 with isoleucine.
Molecular consequence: missense variant. On other transcripts: 3 prime UTR variant (1), non-coding transcript variant (1).
Genome position (GRCh38, 1-based): chrX:130,136,693, C>T on the plus strand (G>A on the coding strand, the complement: AIFM1 is on the minus strand). VCF-style: chrX-130136693-C-T. GRCh37 (hg19) VCF-style: chrX-129270668-C-T.
Other names: c.97G>A, p.Val33Ile (NM_001130846.4); c.*342G>A (NM_001130847.4); c.1102G>A, p.Val368Ile (NM_145812.3); short protein forms V372I, V368I, V33I.
Identifiers: ClinVar variation 543931 (VCV000543931.13), dbSNP rs1056740593, ClinGen allele CA335118124.
Genomic context (GRCh38, chrX:130,136,693, plus strand): 5'-CCTTCCTTACCTTCCTGCCGTCTTTCAGCTTGATAAGTAACTTGCCACTGCTGACTCCAA[C>T]GGATTGCACAATAGCATTGGGCATCACCTTAACCCCCTCTGTAAAGGCAAACAAGACCTG-3'
Protein context (NP_004199.1, residues 362-382): KVMPNAIVQS[Val372Ile]GVSSGKLLIK